The following is an entry in ClinVar:

ClinVar aggregate classification (germline): Uncertain significance (1 of 4 stars; one submission).

Conditions:
DiGeorge syndrome. Also called: THIRD AND FOURTH PHARYNGEAL POUCH SYNDROME; Catch22. Identifiers: Orphanet 567, MedGen C0012236, MONDO:0008564, OMIM 188400.

Submission:

Labcorp Genetics (formerly Invitae), Labcorp
Classification: Uncertain significance for DiGeorge syndrome. Last evaluated: 2025-05-01. Review status: criteria provided, single submitter. Criteria: Invitae Variant Classification Sherloc (09022015). Collection method: clinical testing. Allele origin: germline.
Comment: This sequence change replaces alanine, which is neutral and non-polar, with proline, which is neutral and non-polar, at codon 349 of the TBX1 protein (p.Ala349Pro). This variant is not present in population databases (gnomAD no frequency). This variant has not been reported in the literature in individuals affected with TBX1-related conditions. An algorithm developed to predict the effect of missense changes on protein structure and function (PolyPhen-2) suggests that this variant is likely to be tolerated. In summary, the available evidence is currently insufficient to determine the role of this variant in disease. Therefore, it has been classified as a Variant of Uncertain Significance.

NM_001379200.1(TBX1):c.1072G>C (p.Ala358Pro)

Gene: TBX1 (T-box transcription factor 1; plus strand). Cytogenetic location: 22q11.21.
Variant type: single nucleotide variant.
Coding change: c.1072G>C on transcript NM_001379200.1 (MANE Select); coding-DNA position 1072, G replaced by C.
Protein change: p.Ala358Pro; replaces alanine 358 with proline.
Molecular consequence: missense variant. On other transcripts: intron variant (2).
Genome position (GRCh38, 1-based): chr22:19,766,424, G>C. VCF-style: chr22-19766424-G-C. GRCh37 (hg19) VCF-style: chr22-19753947-G-C.
Other names: c.1045G>C, p.Ala349Pro (NM_080647.1); c.1009+422G>C (NM_005992.1, NM_080646.2); short protein forms A349P, A358P.
Identifiers: ClinVar variation 4760353 (VCV004760353.1).